The following is an entry in ClinVar:

NM_002633.3(PGM1):c.1551C>A (p.Tyr517Ter)

Gene: PGM1 (phosphoglucomutase 1; plus strand). Cytogenetic location: 1p31.3.
Variant type: single nucleotide variant.
Coding change: c.1551C>A on transcript NM_002633.3 (MANE Select); coding-DNA position 1551, C replaced by A.
Protein change: p.Tyr517Ter; replaces tyrosine 517 with a stop codon.
Molecular consequence: nonsense.
Genome position (GRCh38, 1-based): chr1:63,654,418, C>A. VCF-style: chr1-63654418-C-A. GRCh37 (hg19) VCF-style: chr1-64120089-C-A.
Other names: c.1605C>A, p.Tyr535Ter (NM_001172818.1); c.960C>A, p.Tyr320Ter (NM_001172819.2); short protein forms Y517*, Y320*, Y535*.
Identifiers: ClinVar variation 620145 (VCV000620145.1), dbSNP rs1557445467, ClinGen allele CA340639625.

ClinVar aggregate classification (germline): Likely pathogenic (1 of 4 stars; one submission).

gnomAD v4.1: 9 of 1,614,056 alleles (0.00056%); highest among the groups gnomAD compares: Non-Finnish European, 0.00076%; no homozygotes.

Submission:

GeneDx
Classification: Likely pathogenic. Last evaluated: 2018-12-14. Review status: criteria provided, single submitter. Criteria: GeneDx Variant Classification (06012015). Collection method: clinical testing. Allele origin: germline. Affected: yes.
Comment: The Y517X variant has been reported previously in an individual with CDG1T who also had a second PGM1 variant identified (Tegtmeyer et al., 2014). The Y517X variant is not observed in large population cohorts (Lek et al., 2016). The Y517X nonsense variant is predicted to cause loss of normal protein function through protein truncation as the last 46 amino acids of the protein are lost. Therefore, this variant is likely pathogenic; however, the possibility that it is benign cannot be excluded.